The following is an entry in ClinVar:

NM_000152.5(GAA):c.1634C>T (p.Pro545Leu)

Gene: GAA (alpha glucosidase; plus strand). Cytogenetic location: 17q25.3.
Variant type: single nucleotide variant.
Coding change: c.1634C>T on transcript NM_000152.5 (MANE Select); coding-DNA position 1634, C replaced by T.
Protein change: p.Pro545Leu; replaces proline 545 with leucine.
Molecular consequence: missense variant.
Genome position (GRCh38, 1-based): chr17:80,111,023, C>T. VCF-style: chr17-80111023-C-T. GRCh37 (hg19) VCF-style: chr17-78084822-C-T.
Other names: NM_000152.5(GAA):c.1634C>T; c.1634C>T, p.Pro545Leu (LRG_673t1, NM_001079803.3, NM_001079804.3); short protein forms P545L.
Identifiers: ClinVar variation 4032 (VCV000004032.27), dbSNP rs121907942, ClinGen allele CA116616.

ClinVar aggregate classification (germline): Pathogenic. Review status: reviewed by expert panel (3 of 4 stars). 10 submissions from 10 submitters: Pathogenic (1). 9 of the submissions do not count toward it. Last evaluated 2026-04-07.

Conditions:
Glycogen storage disease due to acid maltase deficiency, late-onset (LOPD). Also called: POMPE DISEASE, LATE-ONSET; GLYCOGEN STORAGE DISEASE II, LATE-ONSET; ACID ALPHA-GLUCOSIDASE DEFICIENCY, LATE-ONSET; GAA DEFICIENCY, LATE-ONSET; ACID MALTASE DEFICIENCY, LATE-ONSET; AMD, LATE-ONSET. Identifiers: Orphanet 420429, MedGen C0342753, MONDO:0018485, OMIM 621314.
GAA-related disorders.
Glycogen storage disease, type II (IOPD). Also called: Glycogen storage disease type 2; Acid maltase deficiency disease; Aglucosidase alfa; Deficiency of alpha-glucosidase; Deficiency of lysosomal alpha-glucosidase; CARDIOMEGALIA GLYCOGENICA DIFFUSA. Identifiers: Orphanet 365, MedGen C0017921, MONDO:0009290, OMIM 232300.

Allele frequency attached by ClinVar (database versions not stated): TOPMed 0.00001; gnomAD 0.00002; gnomAD exomes 0.00002; ExAC 0.00002.
gnomAD v4.1: 16 of 1,613,582 alleles (0.00099%); highest among the groups gnomAD compares: Non-Finnish European, 0.00025%; no homozygotes.

Submissions (10):

ClinGen Lysosomal Storage Disorder Variant Curation Expert Panel
Classification: Pathogenic for Glycogen storage disease, type II. Last evaluated: 2026-04-07. Review status: reviewed by expert panel. Criteria: clingen_lsd_acmg_specifications_v2-1. Collection method: curation. Allele origin: germline. Inheritance: Autosomal recessive inheritance.
Comment: The NM_000152.5:c.1634C>T variant in GAA is predicted to result in the missense substitution of proline by leucine at amino acid 545 (p.Pro545Leu). This variant has been reported in at least 11 individuals with late-onset Pompe disease; onset typically in childhood to adolescence. Of those patients, 6 were compound heterozygous for the variant and another variant in GAA that has been classified as pathogenic by the LD VCEP, phase unknown, including c.525del (PMID: 7881422, 19084399, 29556838; 0.5 points), c.2481+102_2646+31del (PMID: 20817528, 23304582, 27189384; two patients, 2 x 0.5 points), c.1935C>A (p.Asp645Glu) (PMID: 27183828, 27692865, two patients, 2 x 0.5 points), and c.2662G>T (p.Glu888Ter) (PMID: 25526786, 0.5 points). Another patient was compound heterozygous for c.1725C>A (p.Tyr575Ter), classified as pathogenic by the LD VCEP and confirmed in trans (PMID: 19472353), 1 point). One patient was homozygous for the variant (PMID: 7881422, 0.5 points). Total 4.5 points (PM3_VeryStrong). In addition, three more patients were compound heterozygous for the variant and another missense variant - c.796C>T (p.Pro266Ser) (PMID: 39010129), c.1364A>T (p.Tyr455Phe) (PMID: 14695532), or c.1993G>A (p.Gly665Arg) (PMID: 25526786). The allelic data form these patients will be used in the classification of the second variant and was not included here to avoid circular logic. Additional cases were reported but were not included due to insufficient evidence for affected status and/or the presence of additional variants, or second variant not reported (PMID: 7881422, 36105079, 39213226). At least 5 of these individuals have been reported with symptoms consistent with Pompe disease and laboratory values showing GAA activity <10% normal in lymphocytes/leukocytes/muscle samples/<30% normal in cultured fibroblasts/ in the affected range in a clinically validated dried blood spot assay (PMIDs 19472353, 20817528, 23304582, 25526786), and at least two were on enzyme replacement therapy (PMID: 27692865, 27183828 (PP4_Moderate). In several studies in which the variant has been expressed in cultured cells, the activity was <10% (PMIDs 7881422, 14695532, 19862843). In addition, when the variant was expressed in COS cells, an abnormal processing pattern compared to wild type was observed on Western blot; most of the protein was in the 110kD precursor form, with little 95kD or 76kD (active) protein (PMID: 14695532) (PS3_Supporting). The computational predictor REVEL gives a score of 0.838 which is above the threshold of 0.7, evidence that correlates with impact to GAA function (PP3). The highest continental population minor allele frequency in a continental population in gnomAD v4.1.0. is 0.0000025 in the European non-Finnish; in the Finnish population, the MAF is 0.0002. The MAF in all populations is lower than the ClinGen LD VCEP's threshold (<0.001) for PM2_Supporting, meeting this criterion (PM2_Supporting). Another variant at the same amino acid position, c.1633C>T (p.Pro545Ser) (ClinVar Variation ID: 1062425) has been reported. The classification of p.Pro545Leu will be used to support the classification of p.Pro545Ser; therefore, PM5 was not applied her to avoid circular logic. There is a ClinVar entry for this variant (Variation ID: 4032). In summary, this variant meets the criteria to be classified as Pathogenic for Pompe disease. GAA-specific ACMG/AMP criteria applied, as specified by the ClinGen Lysosomal Diseases Variant Curation Expert Panel (Specifications Version 2.0): PM3_VeryStrong, PP4_Moderate, PP3, PS3_Supporting, PM2_Supporting. (Classification approved by the ClinGen Lysosomal Diseases Variant Curation Expert Panel on April 7, 2026).

Genomenon, Inc
Classification: Pathogenic for Glycogen storage disease, type II. Last evaluated: 2026-07-01. Review status: criteria provided, single submitter. Criteria: Genomenon Sequence Variant Interpretation Standards - Updated. Collection method: curation. Allele origin: germline. Affected: yes. Not counted in ClinVar's aggregate classification.
Comment: GAA p.Pro545Leu (c.1634C>T) is a missense variant that changes the amino acid at codon 545 from Proline to Leucine. This variant has been observed in at least one proband with a GAA-related disorder in the compound heterozygous and/or homozygous state (PMID:40355959;39213226;39010129;36105079;35071497;34995642;27692865;27189384;19472353;25526786;25036864;23304582). At least one functional study has demonstrated a substantial alteration in protein function relative to the wild-type (PMID:29286471;7881422;14695532;19862843;25036864). It is absent or not present at a significant frequency in gnomAD. In silico models predict that this variant is possibly or probably damaging. In conclusion, we classify GAA p.Pro545Leu (c.1634C>T) as a pathogenic variant.

Labcorp Genetics (formerly Invitae), Labcorp
Classification: Pathogenic for Glycogen storage disease, type II. Last evaluated: 2026-01-19. Review status: criteria provided, single submitter. Criteria: Invitae Variant Classification Sherloc (09022015). Collection method: clinical testing. Allele origin: germline. Not counted in ClinVar's aggregate classification.
Comment: This sequence change replaces proline, which is neutral and non-polar, with leucine, which is neutral and non-polar, at codon 545 of the GAA protein (p.Pro545Leu). This variant is present in population databases (rs121907942, gnomAD 0.01%). This missense change has been observed in individuals with glycogen storage disease type II (PMID: 7881422, 14695532, 25526786). ClinVar contains an entry for this variant (Variation ID: 4032). An algorithm developed to predict the effect of missense changes on protein structure and function (PolyPhen-2) suggests that this variant is likely to be disruptive. Experimental studies have shown that this missense change affects GAA function (PMID: 7881422). For these reasons, this variant has been classified as Pathogenic.

Fulgent Genetics
Classification: Pathogenic for Glycogen storage disease, type II. Last evaluated: 2024-05-29. Review status: criteria provided, single submitter. Criteria: ACMG Guidelines, 2015. Collection method: clinical testing. Allele origin: germline. Not counted in ClinVar's aggregate classification.

Blueprint Genetics
Classification: Pathogenic for GAA-related disorders. Last evaluated: 2021-12-10. Review status: criteria provided, single submitter. Criteria: ACMG Guidelines, 2015. Collection method: clinical testing. Allele origin: germline. Affected: yes. Observed: 1 variant allele. Not counted in ClinVar's aggregate classification.

Revvity Omics, Revvity
Classification: Pathogenic. Last evaluated: 2021-10-12. Review status: criteria provided, single submitter. Criteria: ACMG Guidelines, 2015. Collection method: clinical testing. Allele origin: germline. Not counted in ClinVar's aggregate classification.

Women's Health and Genetics/Laboratory Corporation of America, LabCorp
Classification: Pathogenic for Glycogen storage disease, type II. Last evaluated: 2020-04-30. Review status: criteria provided, single submitter. Criteria: LabCorp Variant Classification Summary - May 2015. Collection method: clinical testing. Allele origin: germline. Not counted in ClinVar's aggregate classification.
Comment: Variant summary: GAA c.1634C>T (p.Pro545Leu) results in a non-conservative amino acid change in the encoded protein sequence. Five of five in-silico tools predict a damaging effect of the variant on protein function. The variant allele was found at a frequency of 1.6e-05 in 250468 control chromosomes. c.1634C>T has been reported in the literature in individuals affected with Glycogen Storage Disease, Type 2 (Pompe Disease, Vorgerd_1998, Flanagan_2009, vanCapelle_2016). These data indicate that the variant is likely to be associated with disease. At least one publication reports experimental evidence evaluating an impact on protein function. The most pronounced variant effect results in <10% of normal activity (Flanagan_2009). No clinical diagnostic laboratories have submitted clinical-significance assessments for this variant to ClinVar after 2014. Based on the evidence outlined above, the variant was classified as pathogenic.

Juno Genomics, Hangzhou Juno Genomics, Inc
Classification: Pathogenic for Glycogen storage disease, type II. Review status: criteria provided, single submitter. Criteria: ACMG Guidelines, 2015. Collection method: clinical testing. Allele origin: germline. Not counted in ClinVar's aggregate classification.
Comment: Absent from controls (or at extremely low frequency if recessive) in Genome Aggregation Database.;Multiple lines of computational evidence support a deleterious effect on the gene or gene product.;For recessive disorders, detected in trans with a pathogenic variant.;Patient's phenotype or family history is highly specific for a disease with a single genetic etiology.

Natera, Inc.
Classification: Pathogenic for Glycogen storage disease type II. Last evaluated: 2020-12-15. Review status: no assertion criteria provided. Collection method: clinical testing. Allele origin: germline. Not counted in ClinVar's aggregate classification.

OMIM
Classification: Pathogenic for POMPE DISEASE, LATE-ONSET. Last evaluated: 1994-12-01. Review status: no assertion criteria provided. Collection method: literature only. Allele origin: germline. Not counted in ClinVar's aggregate classification.

Literature cited by the submitters: PubMed 40355959 (cited by Genomenon, Inc); PubMed 39213226 (cited by Genomenon, Inc); PubMed 39010129 (cited by Genomenon, Inc); PubMed 36105079 (cited by Genomenon, Inc); PubMed 35071497 (cited by Genomenon, Inc); PubMed 34995642 (cited by Genomenon, Inc); PubMed 27692865 (cited by Genomenon, Inc); PubMed 27189384 (cited by Genomenon, Inc and Women's Health and Genetics/Laboratory Corporation of America, LabCorp); PubMed 19472353 (cited by Genomenon, Inc); PubMed 25526786 (cited by Genomenon, Inc and Labcorp Genetics (formerly Invitae), Labcorp); PubMed 25036864 (cited by Genomenon, Inc); PubMed 23304582 (cited by Genomenon, Inc); PubMed 29286471 (cited by Genomenon, Inc); PubMed 7881422 (cited by 3 submitters); PubMed 14695532 (cited by Genomenon, Inc and Labcorp Genetics (formerly Invitae), Labcorp); PubMed 19862843 (cited by Genomenon, Inc and Women's Health and Genetics/Laboratory Corporation of America, LabCorp); PubMed 10737124 (cited by Women's Health and Genetics/Laboratory Corporation of America, LabCorp).